The following is an entry in ClinVar:

ClinVar aggregate classification (germline): Pathogenic. Review status: criteria provided, multiple submitters, no conflicts (2 of 4 stars). 3 submissions from 3 submitters: Pathogenic (3). Last evaluated 2025-01-07.

Conditions:
Lafora disease. Also called: Epilepsy progressive myoclonic 2; Progressive Myoclonus Epilepsy, Lafora Type. Identifiers: Orphanet 501, MedGen C0751783, MONDO:0009697.
Progressive myoclonic epilepsy. Also called: Myoclonus epilepsy; Familial progressive myoclonic epilepsy; Progressive myoclonus epilepsy; Myoclonic Epilepsies, Progressive. Identifiers: Orphanet 308, Orphanet 98261, MedGen C0751778, MONDO:0020074.

Allele frequency attached by ClinVar (database versions not stated): TOPMed below 0.00001; gnomAD 0.00001.

Submissions (3):

Broad Center for Mendelian Genomics, Broad Institute of MIT and Harvard
Classification: Pathogenic for Lafora disease. Last evaluated: 2025-01-07. Review status: criteria provided, single submitter. Criteria: ACMG Guidelines, 2015. Collection method: curation. Allele origin: germline. Inheritance: Autosomal recessive inheritance.
Comment: The c.301+1G>T variant in EPM2A has been reported, in the compound heterozygous state, in two siblings with Lafora disease (PMID: 34117373), and has been identified in 0.00009% (1/1124600) of European (non-Finnish) chromosomes by the Genome Aggregation Database (gnomAD; dbSNP ID: rs1361221383). Although this variant has been seen in the general population in a heterozygous state, its frequency is low enough to be consistent with a recessive carrier frequency. This variant has also been reported in ClinVar (Variation ID: 1510680) and has been interpreted as pathogenic by Invitae and Illumina Laboratory Services (Illumina). This variant is located in the 3' splice region. SpliceAI predictions indicate use of an out-of-frame cryptic splice site 47 bases from the intron-exon boundary, providing evidence that this variant may cause a frameshift and lead to a premature termination codon downstream. This alteration is then predicted to lead to a truncated or absent protein. However, this information is not predictive enough to determine pathogenicity. Loss of function of the EPM2A gene is an established disease mechanism in autosomal recessive Lafora disease. In summary, this variant meets criteria to be classified as pathogenic for autosomal recessive Lafora disease. ACMG/AMP Criteria applied: PVS1, PM2_supporting, PM3 (Richards 2015).

Labcorp Genetics (formerly Invitae), Labcorp
Classification: Pathogenic for Progressive myoclonic epilepsy. Last evaluated: 2023-11-27. Review status: criteria provided, single submitter. Criteria: Invitae Variant Classification Sherloc (09022015). Collection method: clinical testing. Allele origin: germline.
Comment: This sequence change affects a donor splice site in intron 1 of the EPM2A gene. It is expected to disrupt RNA splicing. Variants that disrupt the donor or acceptor splice site typically lead to a loss of protein function (PMID: 16199547), and loss-of-function variants in EPM2A are known to be pathogenic (PMID: 20738377). This variant is present in population databases (no rsID available, gnomAD 0.007%). Disruption of this splice site has been observed in individual(s) with Lafora disease (PMID: 32342326, 34117373). In at least one individual the data is consistent with being in trans (on the opposite chromosome) from a pathogenic variant. ClinVar contains an entry for this variant (Variation ID: 1510680). Algorithms developed to predict the effect of sequence changes on RNA splicing suggest that this variant may disrupt the consensus splice site. For these reasons, this variant has been classified as Pathogenic.

Illumina Laboratory Services, Illumina
Classification: Pathogenic. Last evaluated: 2022-08-04. Review status: criteria provided, single submitter. Criteria: ICSL CNVClassificationCriteria Aug2020. Collection method: clinical testing. Allele origin: unknown. Affected: yes.
Comment: The EPM2A c.301+1G>T variant results in the substitution of guanine within the consensus splice donor site with a thymine, which may result in splicing defects. This variant has been reported in a compound heterozygous state with a missense variant in two siblings with Lafora disease (PMID: 34117373). Additionally, an alternate nucleotide change at the same position (c.301+1G>A) has been reported in a compound heterozygous state with a truncating variant in an individual with Lafora disease (PMID: 32342326). The c.301+1G>T variant is reported in the Genome Aggregation Database in one allele at a frequency of 0.000066 in the European (non-Finnish) population (version 2.1.1). Based on the available evidence, the c.301+1G>T variant is classified as pathogenic for Lafora disease.

Literature cited by the submitters: PubMed 16199547 (cited by Labcorp Genetics (formerly Invitae), Labcorp); PubMed 20738377 (cited by Labcorp Genetics (formerly Invitae), Labcorp); PubMed 32342326 (cited by Labcorp Genetics (formerly Invitae), Labcorp and Illumina Laboratory Services, Illumina); PubMed 34117373 (cited by Labcorp Genetics (formerly Invitae), Labcorp and Illumina Laboratory Services, Illumina).

NM_005670.4(EPM2A):c.301+1G>T

Genes: EPM2A (EPM2A glucan phosphatase, laforin; minus strand), EPM2A-DT (EPM2A divergent transcript; plus strand), LOC129997381 (ATAC-STARR-seq lymphoblastoid silent region 17642; plus strand). Cytogenetic location: 6q24.3.
Variant type: single nucleotide variant.
Coding change: c.301+1G>T on transcript NM_005670.4 (MANE Select); the canonical splice donor site of the intron after coding-DNA position 301, G replaced by T.
Molecular consequence: splice donor variant. On other transcripts: intron variant (2).
Genome position (GRCh38, 1-based): chr6:145,735,197, C>A on the plus strand (G>T on the coding strand, the complement: EPM2A is on the minus strand). VCF-style: chr6-145735197-C-A. GRCh37 (hg19) VCF-style: chr6-146056333-C-A.
Other names: c.-114+711G>T (NM_001360064.2); c.-114+48G>T (NM_001368131.1); c.301+1G>T (NM_001360057.2, NM_001018041.2, NM_001368130.1); c.-323+1G>T (NM_001368129.2); c.-369+1G>T (NM_001360071.2).
Identifiers: ClinVar variation 1510680 (VCV001510680.9), dbSNP rs1361221383, ClinGen allele CA366187830.
Genomic context (GRCh38, chr6:145,735,197, plus strand): 5'-GGTTGGGGGTGCGGGCCGGAGCTCCCGCTCTGCGCCGGGGGCAGGCGTCTGCTGGCAATA[C>A]CTTCCCAGGAGAGCTCTCCTCCCGGCTCCCGCTTCAGGAACTTGTACCAGAACGTGTCCA-3'